The following is an entry in ClinVar:

NM_001134673.4(NFIA):c.859del (p.Ser287fs)

Gene: NFIA (nuclear factor I A; plus strand). Cytogenetic location: 1p31.3.
Variant type: Deletion.
Coding change: c.859del on transcript NM_001134673.4 (MANE Select); coding-DNA position 859, one base deleted (A; older notation c.859delA).
Protein change: p.Ser287fs; shifts the reading frame from serine 287.
Molecular consequence: frameshift variant.
Genome position (GRCh38, 1-based): chr1:61,359,187, A deleted. VCF-style (leftmost placement, unchanged base first): chr1-61359186-CA-C. GRCh37 (hg19) VCF-style: chr1-61824858-CA-C.
Other names: c.835del, p.Ser279fs (NM_001145511.2); c.994del, p.Ser332fs (NM_001145512.2); c.859del, p.Ser287fs (NM_005595.5); c.994del (NM_001145512.1); short protein forms S279fs, S287fs, S332fs.
Identifiers: ClinVar variation 3777193 (VCV003777193.1).
Genomic context (GRCh38, chr1:61,359,186, plus strand): 5'-TGCACCCATTTGTTATTTCAGCTCCACAAAGCGCCTCAAGTCTGTGGAGGATGAAATGGA[CA>C]GTCCTGGTGAGGAGCCATTTTATACAGGCCAAGGGCGCTCCCCAGGAAGTGGCAGTCAGT-3'

ClinVar aggregate classification (germline): Likely pathogenic (1 of 4 stars; one submission).

Conditions:
Brain malformations with or without urinary tract defects. Also called: Brain malformations and urinary tract defects. Identifiers: MedGen C4478940, MONDO:0100478, OMIM 613735.

Submission:

University of Washington Department of Laboratory Medicine, University of Washington
Classification: Likely pathogenic for Brain malformations with or without urinary tract defects. Last evaluated: 2022-11-14. Review status: criteria provided, single submitter. Criteria: ACMG Guidelines, 2015. Collection method: clinical testing. Allele origin: maternal. Affected: yes.
Comment: The p.Ser332Valfs*37 variant in the NFIA gene has not been previously reported in association with disease and was absent from large population databases, including the Genome Aggregation Database. The p.Ser332Valfs*37 variant results in a 1bp deletion in exon 7 of 12 exons, which causes a shift in the protein reading frame, leading to a premature termination codon 37 amino acids downstream. Nonsense-mediated decay resulting in a truncated or absent protein is predicted with this variant. These predictions have not been tested directly. Heterozygous loss of function leading to haploinsufficiency of the NFIA gene is an established mechanism of disease (Uehara 2021). Using ACMG guidelines, this variant was classified as likely pathogenic for autosomal dominant NFIA-related disorder (ACMG evidence codes used: PVS1, PM2_supporting).